The following is an entry in ClinVar:

NM_000287.4(PEX6):c.2906G>T (p.Arg969Leu)

Gene: PEX6 (peroxisomal biogenesis factor 6; minus strand). Cytogenetic location: 6p21.1.
Variant type: single nucleotide variant.
Coding change: c.2906G>T on transcript NM_000287.4 (MANE Select); coding-DNA position 2906, G replaced by T.
Protein change: p.Arg969Leu; replaces arginine 969 with leucine.
Molecular consequence: missense variant. On other transcripts: non-coding transcript variant (1).
Genome position (GRCh38, 1-based): chr6:42,964,372, C>A on the plus strand (G>T on the coding strand, the complement: PEX6 is on the minus strand). VCF-style: chr6-42964372-C-A. GRCh37 (hg19) VCF-style: chr6-42932110-C-A.
Other names: c.2642G>T, p.Arg881Leu (NM_001316313.2); short protein forms R969L, R881L.
Identifiers: ClinVar variation 2105344 (VCV002105344.4), dbSNP rs374426032, ClinGen allele CA3810868.

ClinVar aggregate classification (germline): Uncertain significance (1 of 4 stars; one submission).

Conditions:
Peroxisome biogenesis disorder. Identifiers: Orphanet 79189, MedGen C1832200, MONDO:0019234. Disease mechanism: loss of function.

Submission:

Labcorp Genetics (formerly Invitae), Labcorp
Classification: Uncertain significance for Peroxisome biogenesis disorder. Last evaluated: 2022-11-08. Review status: criteria provided, single submitter. Criteria: Invitae Variant Classification Sherloc (09022015). Collection method: clinical testing. Allele origin: germline.
Comment: In summary, the available evidence is currently insufficient to determine the role of this variant in disease. Therefore, it has been classified as a Variant of Uncertain Significance. Advanced modeling of protein sequence and biophysical properties (such as structural, functional, and spatial information, amino acid conservation, physicochemical variation, residue mobility, and thermodynamic stability) has been performed at Invitae for this missense variant, however the output from this modeling did not meet the statistical confidence thresholds required to predict the impact of this variant on PEX6 protein function. This variant has not been reported in the literature in individuals affected with PEX6-related conditions. The frequency data for this variant in the population databases is considered unreliable, as metrics indicate poor data quality at this position in the gnomAD database. This sequence change replaces arginine, which is basic and polar, with leucine, which is neutral and non-polar, at codon 969 of the PEX6 protein (p.Arg969Leu).